The following is an entry in ClinVar:

ClinVar aggregate classification (germline): Pathogenic (1 of 4 stars; one submission).

Conditions:
Neurofibromatosis, type 1 (NF1). Also called: VON RECKLINGHAUSEN DISEASE; NEUROFIBROMATOSIS, TYPE I, SOMATIC; Peripheral type neurofibromatosis; Neurofibromatosis, type I. Identifiers: Orphanet 636, MedGen C0027831, MONDO:0018975, OMIM 162200. Disease mechanism: loss of function.

Submission:

Labcorp Genetics (formerly Invitae), Labcorp
Classification: Pathogenic for Neurofibromatosis, type 1. Last evaluated: 2023-08-30. Review status: criteria provided, single submitter. Criteria: Invitae Variant Classification Sherloc (09022015). Collection method: clinical testing. Allele origin: germline.
Comment: This sequence change creates a premature translational stop signal (p.Ala1726Serfs*10) in the NF1 gene. It is expected to result in an absent or disrupted protein product. Loss-of-function variants in NF1 are known to be pathogenic (PMID: 10712197, 23913538). This variant is not present in population databases (gnomAD no frequency). This variant has not been reported in the literature in individuals affected with NF1-related conditions. For these reasons, this variant has been classified as Pathogenic.

Literature cited by the submitters: PubMed 10712197; PubMed 23913538.

NM_001042492.3(NF1):c.5237_5238insG (p.Ala1747fs)

Gene: NF1 (neurofibromin 1; plus strand). Cytogenetic location: 17q11.2.
Variant type: Insertion.
Coding change: c.5237_5238insG on transcript NM_001042492.3 (MANE Select); coding-DNA positions 5237 to 5238, G inserted.
Protein change: p.Ala1747fs; shifts the reading frame from alanine 1747.
Molecular consequence: frameshift variant.
Genome position: GRCh38 VCF-style: chr17-31326221-T-TG. GRCh37 (hg19) VCF-style: chr17-29653239-T-TG.
Other names: c.5174_5175insG, p.Ala1726Serfs (NM_000267.4); short protein forms A1726fs, A1747fs.
Identifiers: ClinVar variation 2756463 (VCV002756463.3), dbSNP rs2508698502, ClinGen allele CA2697559595.
Genomic context (GRCh38, chr17:31,326,221, plus strand): 5'-TACCTGCTGCCACCTTGGCTTTAGAAGAGGACCTGAAGGTATTCCACAATGCTCTCAAGC[T>TG]AGCTCACAAAGACACCAAAGTTTCTATTAAAGTAAGTTCCAGTCTGTGTTTTGTAAACGA-3'